The following is an entry in ClinVar:

ClinVar aggregate classification (germline): Uncertain significance. Review status: criteria provided, multiple submitters, no conflicts (2 of 4 stars). 2 submissions from 2 submitters: Uncertain significance (2). Last evaluated 2023-06-06.

Conditions:
Inborn genetic diseases. Identifiers: MedGen C0950123, MeSH D030342.
Fanconi anemia (FA). Also called: Fanconi's anemia. Identifiers: Orphanet 84, MedGen C0015625, MeSH D005199, MONDO:0019391.

Allele frequency attached by ClinVar (database versions not stated): ExAC 0.00001; gnomAD 0.00001; gnomAD exomes 0.00001; TOPMed 0.00001; 1000 Genomes Project 30x 0.00016; 1000 Genomes Project 0.00020.
gnomAD v4.1: 3 of 1,613,750 alleles (0.00019%); highest among the groups gnomAD compares: East Asian, 0.0067%; no homozygotes.

Submissions (2):

Ambry Genetics
Classification: Uncertain significance for Inborn genetic diseases. Last evaluated: 2023-06-06. Review status: criteria provided, single submitter. Criteria: Ambry Variant Classification Scheme 2023. Collection method: clinical testing. Allele origin: germline.

Labcorp Genetics (formerly Invitae), Labcorp
Classification: Uncertain significance for Fanconi anemia. Last evaluated: 2021-01-19. Review status: criteria provided, single submitter. Criteria: Invitae Variant Classification Sherloc (09022015). Collection method: clinical testing. Allele origin: germline.
Comment: In summary, the available evidence is currently insufficient to determine the role of this variant in disease. Therefore, it has been classified as a Variant of Uncertain Significance. This variant has not been reported in the literature in individuals with SLX4-related conditions. This sequence change replaces glycine with arginine at codon 533 of the SLX4 protein (p.Gly533Arg). The glycine residue is weakly conserved and there is a moderate physicochemical difference between glycine and arginine. This variant is present in population databases (rs200437227, ExAC 0.01%). Algorithms developed to predict the effect of missense changes on protein structure and function output the following: SIFT: "Tolerated"; PolyPhen-2: "Benign"; Align-GVGD: "Class C0". The arginine amino acid residue is found in multiple mammalian species, suggesting that this missense change does not adversely affect protein function. These predictions have not been confirmed by published functional studies and their clinical significance is uncertain.

NM_032444.4(SLX4):c.1597G>C (p.Gly533Arg)

Gene: SLX4 (SLX4 structure-specific endonuclease subunit; minus strand). Cytogenetic location: 16p13.3.
Variant type: single nucleotide variant.
Coding change: c.1597G>C on transcript NM_032444.4 (MANE Select); coding-DNA position 1597, G replaced by C.
Protein change: p.Gly533Arg; replaces glycine 533 with arginine.
Molecular consequence: missense variant.
Genome position (GRCh38, 1-based): chr16:3,597,465, C>G on the plus strand (G>C on the coding strand, the complement: SLX4 is on the minus strand). VCF-style: chr16-3597465-C-G. GRCh37 (hg19) VCF-style: chr16-3647466-C-G.
Other names: c.1597G>C (NM_032444.2); short protein forms G533R.
Identifiers: ClinVar variation 1436429 (VCV001436429.8), dbSNP rs200437227, ClinGen allele CA7866480.